The following is an entry in ClinVar:

NM_002691.4(POLD1):c.3281A>G (p.Gln1094Arg)

Gene: POLD1 (DNA polymerase delta 1, catalytic subunit; plus strand). Cytogenetic location: 19q13.33.
Variant type: single nucleotide variant.
Coding change: c.3281A>G on transcript NM_002691.4 (MANE Select); coding-DNA position 3281, A replaced by G.
Protein change: p.Gln1094Arg; replaces glutamine 1094 with arginine.
Molecular consequence: missense variant. On other transcripts: non-coding transcript variant (1).
Genome position (GRCh38, 1-based): chr19:50,417,904, A>G. VCF-style: chr19-50417904-A-G. GRCh37 (hg19) VCF-style: chr19-50921161-A-G.
Other names: c.3281A>G, p.Gln1094Arg (NM_001256849.1, NM_001438212.1, NM_001438213.1); c.3359A>G, p.Gln1120Arg (NM_001308632.1); c.3209A>G, p.Gln1070Arg (NM_001438210.1, NM_001438211.1); short protein forms Q1120R, Q1070R, Q1094R.
Identifiers: ClinVar variation 4140989 (VCV004140989.1).

ClinVar aggregate classification (germline): Uncertain significance (1 of 4 stars; one submission).

Conditions:
Hereditary cancer-predisposing syndrome. Also called: Hereditary neoplastic syndrome; Neoplastic Syndromes, Hereditary; Tumor predisposition; Hereditary Cancer Syndrome. Identifiers: Orphanet 140162, MedGen C0027672, MeSH D009386, MONDO:0015356.

Submission:

Ambry Genetics
Classification: Uncertain significance for Hereditary cancer-predisposing syndrome. Last evaluated: 2025-06-24. Review status: criteria provided, single submitter. Criteria: Ambry Variant Classification Scheme 2023. Collection method: clinical testing. Allele origin: germline.
Comment: The p.Q1094R variant (also known as c.3281A>G), located in coding exon 26 of the POLD1 gene, results from an A to G substitution at nucleotide position 3281. The glutamine at codon 1094 is replaced by arginine, an amino acid with highly similar properties. This amino acid position is conserved. In addition, this alteration is predicted to be tolerated by in silico analysis. Based on the available evidence, the clinical significance of this variant remains unclear.